The following is an entry in ClinVar:

ClinVar aggregate classification (germline): Uncertain significance (1 of 4 stars; one submission).

Submission:

Dasa
Classification: Uncertain significance. Last evaluated: 2025-08-11. Review status: criteria provided, single submitter. Criteria: DASA Assertion Criteria. Collection method: clinical testing. Allele origin: germline.
Comment: NM_004415.4(DSP):c.958G>C (p.Glu320Gln) is a missense variant that results in the substitution of glutamic acid with glutamine. This variant is absent from population databases. The currently available literature and clinical evidence are not sufficient to establish a definitive association between this variant and the reported condition. Therefore, this variant is classified as a variant of uncertain significance.

NM_004415.4(DSP):c.958G>C (p.Glu320Gln)

Gene: DSP (desmoplakin; plus strand). Cytogenetic location: 6p24.3.
Variant type: single nucleotide variant.
Coding change: c.958G>C on transcript NM_004415.4 (MANE Select); coding-DNA position 958, G replaced by C.
Protein change: p.Glu320Gln; replaces glutamic acid 320 with glutamine.
Molecular consequence: missense variant.
Genome position (GRCh38, 1-based): chr6:7,566,395, G>C. VCF-style: chr6-7566395-G-C. GRCh37 (hg19) VCF-style: chr6-7566628-G-C.
Other names: c.958G>C, p.Glu320Gln (NM_001008844.3, NM_001319034.2, NM_001406591.1); short protein forms E320Q.
Identifiers: ClinVar variation 4884954 (VCV004884954.2).